The following is an entry in ClinVar:

ClinVar aggregate classification (germline): Uncertain significance (1 of 4 stars; one submission).

Conditions:
Exostoses, multiple, type 2 (EXT2). Also called: Hereditary Multiple Osteochondromatosis, Type II; EXOSTOSES, MULTIPLE, TYPE II. Identifiers: Orphanet 321, MedGen C1851413, MONDO:0007586, OMIM 133701.

gnomAD v4.1: 2 of 1,614,148 alleles (0.00012%); highest among the groups gnomAD compares: East Asian, 0.0045%; no homozygotes.

Submission:

3billion
Classification: Uncertain significance for Exostoses, multiple, type 2. Last evaluated: 2023-06-01. Review status: criteria provided, single submitter. Criteria: ACMG Guidelines, 2015. Collection method: clinical testing. Allele origin: germline. Affected: yes.
Comment: The variant is not observed in the gnomAD v2.1.1 dataset. Predicted Consequence/Location: Protein truncation variants are a common disease-causing mechanism. In silico tool predictions suggest damaging effect of the variant on gene or gene product (REVEL: 0.90; 3Cnet: 0.66). Different missense changes at the same codon (p.Asp227Asn, p.Asp227Gly, p.Asp227Val) have been reported as pathogenic/likely pathogenic with strong evidence (ClinVar ID: VCV000002474, VCV001352684, VCV001461524 /PMID: 9326317). Therefore, this variant is classified as VUS according to the recommendation of ACMG/AMP guideline.

Literature cited by the submitters: PubMed 9326317.

NM_207122.2(EXT2):c.681T>G (p.Asp227Glu)

Gene: EXT2 (exostosin glycosyltransferase 2; plus strand). Cytogenetic location: 11p11.2.
Variant type: single nucleotide variant.
Coding change: c.681T>G on transcript NM_207122.2 (MANE Select); coding-DNA position 681, T replaced by G.
Protein change: p.Asp227Glu; replaces aspartic acid 227 with glutamic acid.
Molecular consequence: missense variant.
Genome position (GRCh38, 1-based): chr11:44,114,239, T>G. VCF-style: chr11-44114239-T-G. GRCh37 (hg19) VCF-style: chr11-44135789-T-G.
Other names: c.780T>G, p.Asp260Glu (NM_000401.3); c.681T>G, p.Asp227Glu (NM_001178083.3, NM_001389628.1, NM_001389630.1); short protein forms D227E, D260E.
Identifiers: ClinVar variation 3776295 (VCV003776295.1).